The following is an entry in ClinVar:

NM_001040142.2(SCN2A):c.3972+73T>A

Gene: SCN2A (sodium voltage-gated channel alpha subunit 2; plus strand). Cytogenetic location: 2q24.3.
Variant type: single nucleotide variant.
Coding change: c.3972+73T>A on transcript NM_001040142.2 (MANE Select); 73 bases into the intron after coding-DNA position 3972, T replaced by A.
Molecular consequence: intron variant.
Genome position (GRCh38, 1-based): chr2:165,373,420, T>A. VCF-style: chr2-165373420-T-A. GRCh37 (hg19) VCF-style: chr2-166229930-T-A.
Other names: c.3972+73T>A (NM_001040143.2, NM_001371246.1, NM_001371247.1 and 1 more transcripts).
Identifiers: ClinVar variation 670621 (VCV000670621.4), dbSNP rs2304014, ClinGen allele CA11279493.
Genomic context (GRCh38, chr2:165,373,420, plus strand): 5'-GCCTTAGAGTTTGTCAGAATTATTATTGAGAGCAGACTGACACTTTGTACCATGGAAATG[T>A]CAAATTTATGGAGAATTTGTGTCTTACACATTCATACTGACATAGCTAATCAATCAAAAA-3'

ClinVar aggregate classification (germline): Benign. Review status: criteria provided, multiple submitters, no conflicts (2 of 4 stars). 3 submissions from 3 submitters: Benign (3). Last evaluated 2024-07-31.

Allele frequency attached by ClinVar (database versions not stated): gnomAD exomes 0.15554; gnomAD 0.16730 and 0.16857; 1000 Genomes Project 0.16953; TOPMed 0.17102; 1000 Genomes Project 30x 0.17255.
gnomAD v4.1: 241,762 of 1,543,230 alleles (16%); highest among the groups gnomAD compares: African/African-American, 23%; 19,966 homozygotes.

Submissions (3):

Unidad de Genómica Garrahan, Hospital de Pediatría Garrahan
Classification: Benign. Last evaluated: 2024-07-31. Review status: criteria provided, single submitter. Criteria: ACMG Guidelines, 2015. Collection method: clinical testing. Allele origin: germline. Affected: no. Observed: 20 variant alleles.
Comment: This variant is classified as Benign based on local population frequency. This variant was detected in 22% of patients studied in a panel designed for Epileptic and Developmental Encephalopathy, Progressive Myoclonus Epilepsy and Abnormal Movements and Neurodegeneration with brain iron accumulation. Number of patients: 20. Only high quality variants are reported.

GeneDx
Classification: Benign. Last evaluated: 2018-06-19. Review status: criteria provided, single submitter. Criteria: GeneDx Variant Classification (06012015). Collection method: clinical testing. Allele origin: germline. Affected: yes.
Comment: This variant is considered likely benign or benign based on one or more of the following criteria: it is a conservative change, it occurs at a poorly conserved position in the protein, it is predicted to be benign by multiple in silico algorithms, and/or has population frequency not consistent with disease.

Breakthrough Genomics
Classification: Benign. Review status: criteria provided, single submitter. Criteria: ACMG Guidelines, 2015. Collection method: not provided. Allele origin: germline. Inheritance: Autosomal dominant inheritance. Affected: yes.